The following is an entry in ClinVar:

ClinVar aggregate classification (germline): Uncertain significance. Review status: criteria provided, single submitter (1 of 4 stars). 2 submissions from 2 submitters: Uncertain significance (1). 1 of the submissions does not count toward it. Last evaluated 2021-09-01.

Conditions:
Inborn genetic diseases. Identifiers: MedGen C0950123, MeSH D030342.
SEMA3A-related disorder. Also called: SEMA3A-related condition.

Allele frequency attached by ClinVar (database versions not stated): gnomAD exomes below 0.00001; ExAC 0.00001.
gnomAD v4.1: 3 of 1,613,718 alleles (0.00019%); highest among the groups gnomAD compares: African/African-American, 0.0027%; no homozygotes.

Submissions (2):

Ambry Genetics
Classification: Uncertain significance for Inborn genetic diseases. Last evaluated: 2021-09-01. Review status: criteria provided, single submitter. Criteria: Ambry Variant Classification Scheme 2023. Collection method: clinical testing. Allele origin: germline.

PreventionGenetics, part of Exact Sciences
Classification: Uncertain significance for SEMA3A-related condition. Last evaluated: 2023-12-21. Review status: no assertion criteria provided. Collection method: clinical testing. Allele origin: germline. Not counted in ClinVar's aggregate classification.
Comment: The SEMA3A c.1778C>T variant is predicted to result in the amino acid substitution p.Thr593Ile. To our knowledge, this variant has not been reported in the literature or in a large population database, indicating this variant is rare. At this time, the clinical significance of this variant is uncertain due to the absence of conclusive functional and genetic evidence.

NM_006080.3(SEMA3A):c.1778C>T (p.Thr593Ile)

Gene: SEMA3A (semaphorin 3A; minus strand). Cytogenetic location: 7q21.11.
Variant type: single nucleotide variant.
Coding change: c.1778C>T on transcript NM_006080.3 (MANE Select); coding-DNA position 1778, C replaced by T.
Protein change: p.Thr593Ile; replaces threonine 593 with isoleucine.
Molecular consequence: missense variant.
Genome position (GRCh38, 1-based): chr7:83,963,287, G>A on the plus strand (C>T on the coding strand, the complement: SEMA3A is on the minus strand). VCF-style: chr7-83963287-G-A. GRCh37 (hg19) VCF-style: chr7-83592603-G-A.
Other names: short protein forms T593I.
Identifiers: ClinVar variation 2207555 (VCV002207555.3), dbSNP rs762141269, ClinGen allele CA4322619.